The following is an entry in ClinVar:

NM_138694.4(PKHD1):c.2927C>T (p.Ser976Leu)

Gene: PKHD1 (PKHD1 ciliary IPT domain containing fibrocystin/polyductin; minus strand). Cytogenetic location: 6p12.2.
Variant type: single nucleotide variant.
Coding change: c.2927C>T on transcript NM_138694.4 (MANE Select); coding-DNA position 2927, C replaced by T.
Protein change: p.Ser976Leu; replaces serine 976 with leucine.
Molecular consequence: missense variant.
Genome position (GRCh38, 1-based): chr6:52,043,029, G>A on the plus strand (C>T on the coding strand, the complement: PKHD1 is on the minus strand). VCF-style: chr6-52043029-G-A. GRCh37 (hg19) VCF-style: chr6-51907827-G-A.
Other names: c.2927C>T, p.Ser976Leu (NM_170724.3); short protein forms S976L.
Identifiers: ClinVar variation 3061095 (VCV003061095.2), dbSNP rs2533047944, ClinGen allele CA364442259.

ClinVar aggregate classification (germline): Uncertain significance (0 of 4 stars; one submission).

Conditions:
PKHD1-related disorder. Also called: PKHD1-related condition.

Submission:

PreventionGenetics, part of Exact Sciences
Classification: Uncertain significance for PKHD1-related condition. Last evaluated: 2024-02-12. Review status: no assertion criteria provided. Collection method: clinical testing. Allele origin: germline.
Comment: The PKHD1 c.2927C>T variant is predicted to result in the amino acid substitution p.Ser976Leu. To our knowledge, this variant has not been reported in the literature or in a large population database, indicating this variant is rare. At this time, the clinical significance of this variant is uncertain due to the absence of conclusive functional and genetic evidence.